The following is an entry in ClinVar:

NM_022124.6(CDH23):c.767G>A (p.Arg256His)

Gene: CDH23 (cadherin related 23; plus strand). Cytogenetic location: 10q22.1.
Variant type: single nucleotide variant.
Coding change: c.767G>A on transcript NM_022124.6 (MANE Select); coding-DNA position 767, G replaced by A.
Protein change: p.Arg256His; replaces arginine 256 with histidine.
Molecular consequence: missense variant.
Genome position (GRCh38, 1-based): chr10:71,577,927, G>A. VCF-style: chr10-71577927-G-A. GRCh37 (hg19) VCF-style: chr10-73337684-G-A.
Other names: c.767G>A, p.Arg256His (NM_001171930.2, NM_001171931.2, NM_001171932.2 and 1 more transcripts); short protein forms R256H.
Identifiers: ClinVar variation 752696 (VCV000752696.13), dbSNP rs371646164, ClinGen allele CA5543548.

ClinVar aggregate classification (germline): Benign/Likely benign. Review status: criteria provided, multiple submitters, no conflicts (2 of 4 stars). 3 submissions from 3 submitters: Benign (1); Likely benign (2). Last evaluated 2026-02-04.

Conditions:
CDH23-related disorder. Also called: CDH23-related disorders; CDH23-related condition.

Allele frequency attached by ClinVar (database versions not stated): gnomAD 0.00004 and 0.00022; TOPMed 0.00004; gnomAD exomes 0.00029; 1000 Genomes Project 0.00040; 1000 Genomes Project 30x 0.00047; ExAC 0.00140.
gnomAD v4.1: 458 of 1,599,986 alleles (0.029%); highest among the groups gnomAD compares: South Asian, 0.44%; 2 homozygotes.

Submissions (3):

Labcorp Genetics (formerly Invitae), Labcorp
Classification: Likely benign. Last evaluated: 2026-02-04. Review status: criteria provided, single submitter. Criteria: Invitae Variant Classification Sherloc (09022015). Collection method: clinical testing. Allele origin: germline.

PreventionGenetics, part of Exact Sciences
Classification: Likely benign for CDH23-related condition. Last evaluated: 2026-01-21. Review status: criteria provided, single submitter. Criteria: ACMG Guidelines, 2015. Collection method: clinical testing. Allele origin: germline.
Comment: This variant is classified as likely benign based on ACMG/AMP sequence variant interpretation guidelines (Richards et al. 2015 PMID: 25741868, with internal and published modifications).

Blueprint Genetics
Classification: Benign. Last evaluated: 2024-09-30. Review status: criteria provided, single submitter. Criteria: ACMG Guidelines, 2015. Collection method: clinical testing. Allele origin: germline.